The following is an entry in ClinVar:

ClinVar aggregate classification (germline): Uncertain significance (1 of 4 stars; one submission).

Conditions:
Catecholaminergic polymorphic ventricular tachycardia 1. Also called: VENTRICULAR TACHYCARDIA, STRESS-INDUCED POLYMORPHIC 1; VENTRICULAR TACHYCARDIA, CATECHOLAMINERGIC POLYMORPHIC, 1, WITH OR WITHOUT ATRIAL DYSFUNCTION AND/OR DILATED CARDIOMYOPATHY; RYR2-Related Catecholaminergic Polymorphic Ventricular Tachycardia. Identifiers: Orphanet 3286, MedGen C1631597, MONDO:0011484, OMIM 604772.

Allele frequency attached by ClinVar (database versions not stated): gnomAD exomes below 0.00001; gnomAD 0.00001; TOPMed 0.00002.
gnomAD v4.1: 3 of 1,602,626 alleles (0.00019%); highest among the groups gnomAD compares: African/African-American, 0.004%; no homozygotes.

Submission:

Labcorp Genetics (formerly Invitae), Labcorp
Classification: Uncertain significance for Catecholaminergic polymorphic ventricular tachycardia 1. Last evaluated: 2025-12-21. Review status: criteria provided, single submitter. Criteria: Invitae Variant Classification Sherloc (09022015). Collection method: clinical testing. Allele origin: germline.
Comment: This sequence change falls in intron 92 of the RYR2 gene. It does not directly change the encoded amino acid sequence of the RYR2 protein. It affects a nucleotide within the consensus splice site. This variant is present in population databases (no rsID available, gnomAD 0.007%). This variant has not been reported in the literature in individuals affected with RYR2-related conditions. ClinVar contains an entry for this variant (Variation ID: 463567). Variants that disrupt the consensus splice site are a relatively common cause of aberrant splicing (PMID: 17576681, 9536098). Algorithms developed to predict the effect of sequence changes on RNA splicing suggest that this variant may disrupt the consensus splice site. In summary, the available evidence is currently insufficient to determine the role of this variant in disease. Therefore, it has been classified as a Variant of Uncertain Significance.

Literature cited by the submitters: PubMed 17576681; PubMed 9536098.

NM_001035.3(RYR2):c.13476+6A>G

Gene: RYR2 (ryanodine receptor 2; plus strand). Cytogenetic location: 1q43.
Variant type: single nucleotide variant.
Coding change: c.13476+6A>G on transcript NM_001035.3 (MANE Select); 6 bases into the intron after coding-DNA position 13476, A replaced by G.
Molecular consequence: intron variant.
Genome position (GRCh38, 1-based): chr1:237,788,141, A>G. VCF-style: chr1-237788141-A-G. GRCh37 (hg19) VCF-style: chr1-237951441-A-G.
Other names: c.13476+6A>G (LRG_402t1).
Identifiers: ClinVar variation 463567 (VCV000463567.8), dbSNP rs1457866950, ClinGen allele CA529913013.